The following is an entry in ClinVar:

NM_020975.6(RET):c.1547C>G (p.Pro516Arg)

Gene: RET (ret proto-oncogene; plus strand). Cytogenetic location: 10q11.21.
Variant type: single nucleotide variant.
Coding change: c.1547C>G on transcript NM_020975.6 (MANE Select); coding-DNA position 1547, C replaced by G.
Protein change: p.Pro516Arg; replaces proline 516 with arginine.
Molecular consequence: missense variant.
Genome position (GRCh38, 1-based): chr10:43,112,123, C>G. VCF-style: chr10-43112123-C-G. GRCh37 (hg19) VCF-style: chr10-43607571-C-G.
Other names: c.1418C>G, p.Pro473Arg (NM_001406764.1, NM_001406768.1, NM_001406761.1 and 1 more transcripts); c.1547C>G, p.Pro516Arg (NM_001406765.1, NM_000323.2, NM_001406743.1 and 6 more transcripts); c.1259C>G, p.Pro420Arg (NM_001406766.1, NM_001406767.1, NM_001406770.1); c.1151C>G, p.Pro384Arg (NM_001406769.1, NM_001406772.1); c.1109C>G, p.Pro370Arg (NM_001406771.1, NM_001406773.1); c.785C>G, p.Pro262Arg (NM_001355216.2); c.1022C>G, p.Pro341Arg (NM_001406774.1); c.821C>G, p.Pro274Arg (NM_001406775.1, NM_001406776.1, NM_001406777.1 and 1 more transcripts); and 5 more; short protein forms P516R, P262R, P274R, P370R, P420R, P174R, P473R, P186R.
Identifiers: ClinVar variation 570220 (VCV000570220.13), dbSNP rs1194200337, ClinGen allele CA376550295.

ClinVar aggregate classification (germline): Uncertain significance. Review status: criteria provided, multiple submitters, no conflicts (2 of 4 stars). 5 submissions from 5 submitters: Uncertain significance (5). Last evaluated 2026-07-22.

Conditions:
Pheochromocytoma. Also called: MAX-Related Hereditary Paraganglioma-Pheochromocytoma Syndrome. Identifiers: Orphanet 29072, MedGen C0031511, MONDO:0008233, OMIM 171300, HP:0002666.
Familial medullary thyroid carcinoma (MTC). Also called: Thyroid cancer, familial medullary; MTC, familial; Familial Medullary Thyroid Carcinoma (FMTC). Identifiers: Orphanet 653, Orphanet 99361, MedGen C1833921, MONDO:0007958, OMIM 155240.
Multiple endocrine neoplasia type 2B. Also called: Multiple endocrine neoplasia, type 3; MULTIPLE ENDOCRINE NEOPLASIA, TYPE IIB; MUCOSAL NEUROMA SYNDROME; MEN 2B; Multiple Endocrine Neoplasia Type 2B (MEN2B); MEN IIB. Identifiers: Orphanet 247709, Orphanet 653, MedGen C0025269, MeSH D018814, MONDO:0008082, OMIM 162300.
Multiple endocrine neoplasia type 2A. Also called: MULTIPLE ENDOCRINE NEOPLASIA, TYPE IIA; PTC SYNDROME; SIPPLE SYNDROME; MEN 2A; MEN-2A syndrome; Pheochromocytoma and amyloid producing medullary thyroid carcinoma. Identifiers: Orphanet 247698, Orphanet 653, MedGen C0025268, MeSH D018813, MONDO:0008234, OMIM 171400.
Hirschsprung disease, susceptibility to, 1 (HSCR1). Also called: RET-Related Hirschsprung Disease. Identifiers: Orphanet 388, MedGen C3888239, MONDO:0007723, OMIM 142623.
Hereditary cancer-predisposing syndrome. Also called: Neoplastic Syndromes, Hereditary; Hereditary Cancer Syndrome; Tumor predisposition; Hereditary neoplastic syndrome. Identifiers: Orphanet 140162, MedGen C0027672, MeSH D009386, MONDO:0015356.
RET-related disorder. Also called: RET-related disorders; RET-related condition; RET-related disease.
Multiple endocrine neoplasia, type 2 (MEN2). Identifiers: Orphanet 653, MedGen C4048306, MONDO:0019003. Disease mechanism: gain of function.

Allele frequency attached by ClinVar (database versions not stated): gnomAD exomes below 0.00001; TOPMed below 0.00001.

Submissions (5):

PreventionGenetics, part of Exact Sciences
Classification: Uncertain significance for RET-related condition. Last evaluated: 2026-07-22. Review status: criteria provided, single submitter. Criteria: ACMG Guidelines, 2015. Collection method: clinical testing. Allele origin: germline.
Comment: The RET c.1547C>G variant is predicted to result in the amino acid substitution p.Pro516Arg. To our knowledge, this variant has not been reported in the literature. It is reported in 0.0031% of alleles in individuals of Latino descent in gnomAD and is classified as uncertain in ClinVar (Variation ID: 570220). At this time, the clinical significance of this variant is uncertain due to the absence of conclusive functional and genetic evidence.

Labcorp Genetics (formerly Invitae), Labcorp
Classification: Uncertain significance for Multiple endocrine neoplasia, type 2. Last evaluated: 2025-12-23. Review status: criteria provided, single submitter. Criteria: Invitae Variant Classification Sherloc (09022015). Collection method: clinical testing. Allele origin: germline.
Comment: This sequence change replaces proline, which is neutral and non-polar, with arginine, which is basic and polar, at codon 516 of the RET protein (p.Pro516Arg). The frequency data for this variant in the population databases is considered unreliable, as metrics indicate poor data quality at this position in the gnomAD database. This variant has not been reported in the literature in individuals affected with RET-related conditions. ClinVar contains an entry for this variant (Variation ID: 570220). An algorithm developed to predict the effect of missense changes on protein structure and function (PolyPhen-2) suggests that this variant is likely to be disruptive. In summary, the available evidence is currently insufficient to determine the role of this variant in disease. Therefore, it has been classified as a Variant of Uncertain Significance.

Ambry Genetics
Classification: Uncertain significance for Hereditary cancer-predisposing syndrome. Last evaluated: 2023-08-16. Review status: criteria provided, single submitter. Criteria: Ambry Variant Classification Scheme 2023. Collection method: clinical testing. Allele origin: germline.
Comment: The p.P516R variant (also known as c.1547C>G), located in coding exon 8 of the RET gene, results from a C to G substitution at nucleotide position 1547. The proline at codon 516 is replaced by arginine, an amino acid with dissimilar properties. This amino acid position is well conserved in available vertebrate species. In addition, this alteration is predicted to be deleterious by in silico analysis. Since supporting evidence is limited at this time, the clinical significance of this alteration remains unclear.

GeneDx
Classification: Uncertain significance. Last evaluated: 2022-08-31. Review status: criteria provided, single submitter. Criteria: GeneDx Variant Classification Process June 2021. Collection method: clinical testing. Allele origin: germline. Affected: yes.
Comment: Not observed at significant frequency in large population cohorts (gnomAD); In silico analysis supports that this missense variant does not alter protein structure/function; Has not been previously published as pathogenic or benign to our knowledge

Fulgent Genetics
Classification: Uncertain significance for Hirschsprung disease, susceptibility to, 1; Familial medullary thyroid carcinoma; Multiple endocrine neoplasia type 2B; Pheochromocytoma; Multiple endocrine neoplasia type 2A. Last evaluated: 2022-04-15. Review status: criteria provided, single submitter. Criteria: ACMG Guidelines, 2015. Collection method: clinical testing. Allele origin: unknown.